The following is an entry in ClinVar:

ClinVar aggregate classification (germline): Pathogenic (1 of 4 stars; one submission).

Submission:

Ambry Genetics
Classification: Pathogenic. Last evaluated: 2026-06-22. Review status: criteria provided, single submitter. Criteria: Ambry Variant Classification Scheme 2023. Collection method: clinical testing. Allele origin: germline.
Comment: The p.S358* variant (also known as c.1073C>G), located in coding exon 1 of the MLH3 gene, results from a C to G substitution at nucleotide position 1073. This changes the amino acid from a serine to a stop codon within coding exon 1. This variant is considered to be rare based on population cohorts in the Genome Aggregation Database (gnomAD). This alteration is expected to result in loss of function by premature protein truncation or nonsense-mediated mRNA decay. As such, this alteration is interpreted as a disease-causing mutation.

NM_001040108.2(MLH3):c.1073C>G (p.Ser358Ter)

Gene: MLH3 (mutL homolog 3; minus strand). Cytogenetic location: 14q24.3.
Variant type: single nucleotide variant.
Coding change: c.1073C>G on transcript NM_001040108.2 (MANE Select); coding-DNA position 1073, C replaced by G.
Protein change: p.Ser358Ter; replaces serine 358 with a stop codon.
Molecular consequence: nonsense.
Genome position (GRCh38, 1-based): chr14:75,048,583, G>C on the plus strand (C>G on the coding strand, the complement: MLH3 is on the minus strand). VCF-style: chr14-75048583-G-C. GRCh37 (hg19) VCF-style: chr14-75515286-G-C.
Other names: c.1073C>G, p.Ser358Ter (NM_014381.3); short protein forms S358*.
Identifiers: ClinVar variation 5024555 (VCV005024555.1).